The following is an entry in ClinVar:

NM_206933.4(USH2A):c.1891G>C (p.Asp631His)

Gene: USH2A (usherin; minus strand). Cytogenetic location: 1q41.
Variant type: single nucleotide variant.
Coding change: c.1891G>C on transcript NM_206933.4 (MANE Select); coding-DNA position 1891, G replaced by C.
Protein change: p.Asp631His; replaces aspartic acid 631 with histidine.
Molecular consequence: missense variant.
Genome position (GRCh38, 1-based): chr1:216,289,360, C>G on the plus strand (G>C on the coding strand, the complement: USH2A is on the minus strand). VCF-style: chr1-216289360-C-G. GRCh37 (hg19) VCF-style: chr1-216462702-C-G.
Other names: c.1891G>C, p.Asp631His (NM_007123.6); short protein forms D631H.
Identifiers: ClinVar variation 942523 (VCV000942523.8), dbSNP rs552400144, ClinGen allele CA1396368.

ClinVar aggregate classification (germline): Uncertain significance. Review status: criteria provided, multiple submitters, no conflicts (2 of 4 stars). 6 submissions from 5 submitters: Uncertain significance (5). 1 of the submissions does not count toward it. Last evaluated 2025-03-17.

Conditions:
Retinitis pigmentosa 39 (RP39). Identifiers: Orphanet 791, MedGen C3151138, MONDO:0013436, OMIM 613809.
Usher syndrome type 2A. Also called: RETINAL DISEASE IN USHER SYNDROME TYPE IIA, MODIFIER OF; USHER SYNDROME, TYPE IIA. Identifiers: Orphanet 231178, Orphanet 886, MedGen C1848634, MONDO:0010169, OMIM 276901.

Allele frequency attached by ClinVar (database versions not stated): TOPMed 0.00002.
gnomAD v4.1: 15 of 1,613,896 alleles (0.00093%); highest among the groups gnomAD compares: African/African-American, 0.0013%; no homozygotes.

Submissions (6):

Labcorp Genetics (formerly Invitae), Labcorp
Classification: Uncertain significance. Last evaluated: 2025-03-17. Review status: criteria provided, single submitter. Criteria: Invitae Variant Classification Sherloc (09022015). Collection method: clinical testing. Allele origin: germline.
Comment: This sequence change replaces aspartic acid, which is acidic and polar, with histidine, which is basic and polar, at codon 631 of the USH2A protein (p.Asp631His). This variant is present in population databases (rs552400144, gnomAD 0.003%). This missense change has been observed in individual(s) with USH2A-related conditions (PMID: 33576794; internal data). ClinVar contains an entry for this variant (Variation ID: 942523). Invitae Evidence Modeling of protein sequence and biophysical properties (such as structural, functional, and spatial information, amino acid conservation, physicochemical variation, residue mobility, and thermodynamic stability) indicates that this missense variant is not expected to disrupt USH2A protein function with a negative predictive value of 95%. In summary, the available evidence is currently insufficient to determine the role of this variant in disease. Therefore, it has been classified as a Variant of Uncertain Significance.

Blueprint Genetics
Classification: Uncertain significance. Last evaluated: 2024-07-10. Review status: criteria provided, single submitter. Criteria: ACMG Guidelines, 2015. Collection method: clinical testing. Allele origin: germline.

Genome-Nilou Lab
Classification: Uncertain significance for Retinitis pigmentosa 39. Last evaluated: 2023-11-04. Review status: criteria provided, single submitter. Criteria: ACMG Guidelines, 2015. Collection method: clinical testing. Allele origin: germline. Affected: no.

Genome-Nilou Lab
Classification: Uncertain significance for Usher syndrome type 2A. Last evaluated: 2023-11-04. Review status: criteria provided, single submitter. Criteria: ACMG Guidelines, 2015. Collection method: clinical testing. Allele origin: germline. Affected: no.

Fulgent Genetics
Classification: Uncertain significance for Usher syndrome type 2A; Retinitis pigmentosa 39. Last evaluated: 2021-10-12. Review status: criteria provided, single submitter. Criteria: ACMG Guidelines, 2015. Collection method: clinical testing. Allele origin: unknown.

Natera, Inc.
Classification: Uncertain significance for Usher syndrome type 2A. Last evaluated: 2020-08-25. Review status: no assertion criteria provided. Collection method: clinical testing. Allele origin: germline. Not counted in ClinVar's aggregate classification.

Literature cited by the submitters: PubMed 33576794 (cited by Labcorp Genetics (formerly Invitae), Labcorp).